The following is an entry in ClinVar:

ClinVar aggregate classification (germline): Uncertain significance (1 of 4 stars; one submission).

Conditions:
Cardiomyopathy (CMYO). Also called: Cardiomyopathies. Identifiers: Orphanet 167848, MedGen C0878544, MONDO:0004994, HP:0001638. Inheritance: Various modes of inheritance.

Submission:

Color Diagnostics, LLC DBA Color Health
Classification: Uncertain significance for Cardiomyopathy. Last evaluated: 2024-03-06. Review status: criteria provided, single submitter. Criteria: ACMG Guidelines, 2015. Collection method: clinical testing. Allele origin: germline.
Comment: This missense variant replaces leucine with phenylalanine at codon 643 of the RYR2 protein. Computational prediction is inconclusive regarding the impact of this variant on protein structure and function (internally defined REVEL score threshold 0.5 < inconclusive < 0.7, PMID: 27666373). To our knowledge, functional studies have not been reported for this variant. This variant has not been reported in individuals affected with cardiovascular disorders in the literature. This variant has not been identified in the general population by the Genome Aggregation Database (gnomAD). The available evidence is insufficient to determine the role of this variant in disease conclusively. Therefore, this variant is classified as a Variant of Uncertain Significance.

NM_001035.3(RYR2):c.1929A>T (p.Leu643Phe)

Gene: RYR2 (ryanodine receptor 2; plus strand). Cytogenetic location: 1q43.
Variant type: single nucleotide variant.
Coding change: c.1929A>T on transcript NM_001035.3 (MANE Select); coding-DNA position 1929, A replaced by T.
Protein change: p.Leu643Phe; replaces leucine 643 with phenylalanine.
Molecular consequence: missense variant.
Genome position (GRCh38, 1-based): chr1:237,493,055, A>T. VCF-style: chr1-237493055-A-T. GRCh37 (hg19) VCF-style: chr1-237656355-A-T.
Other names: short protein forms L643F.
Identifiers: ClinVar variation 2774253 (VCV002774253.2), dbSNP rs2545803482, ClinGen allele CA345389776.